The following is an entry in ClinVar:

ClinVar aggregate classification (germline): Uncertain significance. Review status: criteria provided, multiple submitters, no conflicts (2 of 4 stars). 4 submissions from 4 submitters: Uncertain significance (3). 1 of the submissions does not count toward it. Last evaluated 2025-06-24.

Conditions:
Hereditary cancer-predisposing syndrome. Also called: Hereditary neoplastic syndrome; Neoplastic Syndromes, Hereditary; Tumor predisposition; Hereditary Cancer Syndrome. Identifiers: Orphanet 140162, MedGen C0027672, MeSH D009386, MONDO:0015356.
Microcephaly, normal intelligence and immunodeficiency (NBS). Also called: IMMUNODEFICIENCY, MICROCEPHALY, AND CHROMOSOMAL INSTABILITY; SEEMANOVA SYNDROME II; Nijmegen breakage syndrome; Microcephaly with normal intelligence immunodeficiency and lymphoreticular malignancies; Nonsyndromal microcephaly autosomal recessive with normal intelligence; Seemanova syndrome 2. Identifiers: Orphanet 647, MedGen C0398791, MONDO:0009623, OMIM 251260.

Allele frequency attached by ClinVar (database versions not stated): gnomAD exomes below 0.00001 and 0.00001.
gnomAD v4.1: 3 of 1,602,708 alleles (0.00019%); highest among the groups gnomAD compares: Non-Finnish European, 0.00026%; no homozygotes.

Submissions (4):

Ambry Genetics
Classification: Uncertain significance for Hereditary cancer-predisposing syndrome. Last evaluated: 2025-06-24. Review status: criteria provided, single submitter. Criteria: Ambry Variant Classification Scheme 2023. Collection method: clinical testing. Allele origin: germline.
Comment: The p.N676S variant (also known as c.2027A>G), located in coding exon 13 of the NBN gene, results from an A to G substitution at nucleotide position 2027. The asparagine at codon 676 is replaced by serine, an amino acid with highly similar properties. This alteration was detected in 1/5589 German BRCA1/2-negative probands with breast cancer (Hauke J et al. Cancer Med, 2018 Apr;7:1349-1358). This amino acid position is not well conserved in available vertebrate species. In addition, this alteration is predicted to be tolerated by in silico analysis. Since supporting evidence is limited at this time, the clinical significance of this alteration remains unclear.

Labcorp Genetics (formerly Invitae), Labcorp
Classification: Uncertain significance for Microcephaly, normal intelligence and immunodeficiency. Last evaluated: 2024-04-22. Review status: criteria provided, single submitter. Criteria: Invitae Variant Classification Sherloc (09022015). Collection method: clinical testing. Allele origin: germline.
Comment: This sequence change replaces asparagine, which is neutral and polar, with serine, which is neutral and polar, at codon 676 of the NBN protein (p.Asn676Ser). This variant is present in population databases (no rsID available, gnomAD 0.0009%). This variant has not been reported in the literature in individuals affected with NBN-related conditions. ClinVar contains an entry for this variant (Variation ID: 481857). Algorithms developed to predict the effect of missense changes on protein structure and function output the following: SIFT: "Not Available"; PolyPhen-2: "Benign"; Align-GVGD: "Not Available". The serine amino acid residue is found in multiple mammalian species, which suggests that this missense change does not adversely affect protein function. In summary, the available evidence is currently insufficient to determine the role of this variant in disease. Therefore, it has been classified as a Variant of Uncertain Significance.

Genome-Nilou Lab
Classification: Uncertain significance for Microcephaly, normal intelligence and immunodeficiency. Last evaluated: 2021-11-07. Review status: criteria provided, single submitter. Criteria: ACMG Guidelines, 2015. Collection method: clinical testing. Allele origin: germline. Affected: no.

Natera, Inc.
Classification: Uncertain significance for Nijmegen breakage syndrome. Last evaluated: 2020-09-16. Review status: no assertion criteria provided. Collection method: clinical testing. Allele origin: germline. Not counted in ClinVar's aggregate classification.

Literature cited by the submitters: PubMed 29522266 (cited by Ambry Genetics).

NM_002485.5(NBN):c.2027A>G (p.Asn676Ser)

Gene: NBN (nibrin; minus strand). Cytogenetic location: 8q21.3.
Variant type: single nucleotide variant.
Coding change: c.2027A>G on transcript NM_002485.5 (MANE Select); coding-DNA position 2027, A replaced by G.
Protein change: p.Asn676Ser; replaces asparagine 676 with serine.
Molecular consequence: missense variant.
Genome position (GRCh38, 1-based): chr8:89,946,183, T>C on the plus strand (A>G on the coding strand, the complement: NBN is on the minus strand). VCF-style: chr8-89946183-T-C. GRCh37 (hg19) VCF-style: chr8-90958411-T-C.
Other names: c.1781A>G, p.Asn594Ser (NM_001024688.3); short protein forms N676S, N594S.
Identifiers: ClinVar variation 481857 (VCV000481857.22), dbSNP rs1404296922, ClinGen allele CA371676413.